The following is an entry in ClinVar:

ClinVar aggregate classification (germline): Benign/Likely benign. Review status: criteria provided, multiple submitters, no conflicts (2 of 4 stars). 9 submissions from 9 submitters: Benign (2); Likely benign (5). 2 of the submissions do not count toward it. Last evaluated 2026-02-02.

Conditions:
GPC3-related disorder. Also called: GPC3-related condition.
Inborn genetic diseases. Identifiers: MedGen C0950123, MeSH D030342.
Hereditary cancer-predisposing syndrome. Also called: Tumor predisposition; Hereditary neoplastic syndrome; Hereditary Cancer Syndrome; Neoplastic Syndromes, Hereditary. Identifiers: Orphanet 140162, MedGen C0027672, MeSH D009386, MONDO:0015356.
Simpson-Golabi-Behmel syndrome type 1 (SGBS1). Also called: GPC3-Related Simpson-Golabi-Behmel Syndrome Type 1; SIMPSON DYSMORPHIA SYNDROME; BULLDOG SYNDROME; DYSPLASIA GIGANTISM SYNDROME, X-LINKED; GOLABI-ROSEN SYNDROME. Identifiers: Orphanet 373, MedGen C0796154, MONDO:0020602, OMIM 312870.
Wilms tumor 1 (WT1). Also called: Wilms tumor, somatic. Identifiers: Orphanet 654, MedGen CN033288, MONDO:0008679, OMIM 194070.

Allele frequency attached by ClinVar (database versions not stated): gnomAD 0.00006 and 0.00012; gnomAD exomes 0.00022 and 0.00039; ExAC 0.00039; 1000 Genomes Project 0.00053; 1000 Genomes Project 30x 0.00062.
gnomAD v4.1: 245 of 1,156,281 alleles (0.021%); highest among the groups gnomAD compares: South Asian, 0.29%; 1 homozygote.

Submissions (9):

Labcorp Genetics (formerly Invitae), Labcorp
Classification: Benign for Wilms tumor 1. Last evaluated: 2026-02-02. Review status: criteria provided, single submitter. Criteria: Invitae Variant Classification Sherloc (09022015). Collection method: clinical testing. Allele origin: germline.

Blueprint Genetics
Classification: Likely benign. Last evaluated: 2024-06-27. Review status: criteria provided, single submitter. Criteria: ACMG Guidelines, 2015. Collection method: clinical testing. Allele origin: germline.

KCCC/NGS Laboratory, Kuwait Cancer Control Center
Classification: Benign for Simpson-Golabi-Behmel syndrome type 1. Last evaluated: 2023-07-07. Review status: criteria provided, single submitter. Criteria: ACMG Guidelines, 2015. Collection method: clinical testing. Allele origin: germline. Affected: yes.

CeGaT Center for Human Genetics Tuebingen
Classification: Likely benign. Last evaluated: 2023-01-01. Review status: criteria provided, single submitter. Criteria: CeGaT Center For Human Genetics Tuebingen Variant Classification Criteria Version 2. Collection method: clinical testing. Allele origin: germline. Affected: yes. Observed: 1 variant allele.
Comment: GPC3: BS2

Sema4
Classification: Likely benign for Hereditary cancer-predisposing syndrome. Last evaluated: 2022-02-28. Review status: criteria provided, single submitter. Criteria: Sema4 Curation Guidelines. Collection method: curation. Allele origin: germline.

GeneDx
Classification: Likely benign. Last evaluated: 2019-12-11. Review status: criteria provided, single submitter. Criteria: GeneDx Variant Classification Process June 2021. Collection method: clinical testing. Allele origin: germline. Affected: yes.

Ambry Genetics
Classification: Likely benign for Inborn genetic diseases. Last evaluated: 2019-06-21. Review status: criteria provided, single submitter. Criteria: Ambry Variant Classification Scheme 2023. Collection method: clinical testing. Allele origin: germline.

PreventionGenetics, part of Exact Sciences
Classification: Likely benign for GPC3-related condition. Last evaluated: 2023-10-16. Review status: no assertion criteria provided. Collection method: clinical testing. Allele origin: germline. Not counted in ClinVar's aggregate classification.
Comment: This variant is classified as likely benign based on ACMG/AMP sequence variant interpretation guidelines (Richards et al. 2015 PMID: 25741868, with internal and published modifications).

ITMI
No classification provided. Condition: AllHighlyPenetrant. Last evaluated: 2013-09-19. Review status: no classification provided. Collection method: reference population. Allele origin: germline. Not counted in ClinVar's aggregate classification.
Comment: Please see associated publication for description of ethnicities

Literature cited by the submitters: PubMed 24728327 (cited by ITMI).

NM_004484.4(GPC3):c.358C>T (p.Arg120Cys)

Gene: GPC3 (glypican 3; minus strand). Cytogenetic location: Xq26.2.
Variant type: single nucleotide variant.
Coding change: c.358C>T on transcript NM_004484.4 (MANE Select); coding-DNA position 358, C replaced by T.
Protein change: p.Arg120Cys; replaces arginine 120 with cysteine.
Molecular consequence: missense variant.
Genome position (GRCh38, 1-based): chrX:133,754,156, G>A on the plus strand (C>T on the coding strand, the complement: GPC3 is on the minus strand). VCF-style: chrX-133754156-G-A. GRCh37 (hg19) VCF-style: chrX-132888183-G-A.
Other names: c.358C>T (NM_001164617.1); c.358C>T, p.Arg120Cys (NM_001164617.2); c.310C>T, p.Arg104Cys (NM_001164618.2); c.196C>T, p.Arg66Cys (NM_001164619.2); short protein forms R120C, R104C, R66C.
Identifiers: ClinVar variation 134500 (VCV000134500.43), dbSNP rs587778392, ClinGen allele CA159983.